The following is an entry in ClinVar:

ClinVar aggregate classification (germline): Benign/Likely benign. Review status: criteria provided, multiple submitters, no conflicts (2 of 4 stars). 5 submissions from 5 submitters: Benign (1); Likely benign (4). Last evaluated 2026-07-27.

Conditions:
CTSD-related disorder. Also called: CTSD-related condition.
Neuronal ceroid lipofuscinosis. Also called: Neuronal Ceroid Lipofuscinoses. Identifiers: Orphanet 216, Orphanet 79263, MedGen C0027877, MONDO:0016295. Disease mechanism: loss of function.
Neuronal ceroid lipofuscinosis 10 (CLN10). Also called: NEURONAL CEROID LIPOFUSCINOSIS DUE TO CATHEPSIN D DEFICIENCY; CTSD-Related Neuronal Ceroid-Lipofuscinosis. Identifiers: Orphanet 228337, MedGen C1864669, MONDO:0012414, OMIM 610127.

Allele frequency attached by ClinVar (database versions not stated): ExAC 0.00011; gnomAD 0.00011; gnomAD exomes 0.00014 and 0.00017; TOPMed 0.00014; ESP Exome Variant Server 0.00015.
gnomAD v4.1: 274 of 1,612,846 alleles (0.017%); highest among the groups gnomAD compares: Non-Finnish European, 0.021%; no homozygotes.

Submissions (5):

PreventionGenetics, part of Exact Sciences
Classification: Likely benign for CTSD-related condition. Last evaluated: 2026-07-27. Review status: criteria provided, single submitter. Criteria: ACMG Guidelines, 2015. Collection method: clinical testing. Allele origin: germline.
Comment: This variant is classified as likely benign based on ACMG/AMP sequence variant interpretation guidelines (Richards et al. 2015 PMID: 25741868, with internal and published modifications).

Labcorp Genetics (formerly Invitae), Labcorp
Classification: Likely benign for Neuronal ceroid lipofuscinosis. Last evaluated: 2025-12-29. Review status: criteria provided, single submitter. Criteria: Invitae Variant Classification Sherloc (09022015). Collection method: clinical testing. Allele origin: germline.

ARUP Laboratories, Molecular Genetics and Genomics, ARUP Laboratories
Classification: Likely benign for Neuronal ceroid lipofuscinosis 10. Last evaluated: 2025-04-10. Review status: criteria provided, single submitter. Criteria: ARUP Molecular Germline Variant Investigation Process 2024. Collection method: clinical testing. Allele origin: germline.

Blueprint Genetics
Classification: Likely benign. Last evaluated: 2024-08-29. Review status: criteria provided, single submitter. Criteria: ACMG Guidelines, 2015. Collection method: clinical testing. Allele origin: germline.

GeneDx
Classification: Benign. Last evaluated: 2012-04-11. Review status: criteria provided, single submitter. Criteria: GeneDx Variant Classification (06012015). Collection method: clinical testing. Allele origin: germline. Affected: yes.
Comment: This variant is considered likely benign or benign based on one or more of the following criteria: it is a conservative change, it occurs at a poorly conserved position in the protein, it is predicted to be benign by multiple in silico algorithms, and/or has population frequency not consistent with disease.

NM_001909.5(CTSD):c.1122C>T (p.Asp374=)

Gene: CTSD (cathepsin D; minus strand). Cytogenetic location: 11p15.5.
Variant type: single nucleotide variant.
Coding change: c.1122C>T on transcript NM_001909.5 (MANE Select); coding-DNA position 1122, C replaced by T.
Protein change: p.Asp374=; no amino-acid change (aspartic acid 374 retained).
Molecular consequence: synonymous variant.
Genome position (GRCh38, 1-based): chr11:1,753,620, G>A on the plus strand (C>T on the coding strand, the complement: CTSD is on the minus strand). VCF-style: chr11-1753620-G-A. GRCh37 (hg19) VCF-style: chr11-1774850-G-A.
Other names: p.D374D:GAC>GAT.
Identifiers: ClinVar variation 137045 (VCV000137045.14), dbSNP rs145821780, ClinGen allele CA290532.